The following is an entry in ClinVar:

ClinVar aggregate classification (germline): Uncertain significance. Review status: criteria provided, multiple submitters, no conflicts (2 of 4 stars). 2 submissions from 2 submitters: Uncertain significance (2). Last evaluated 2024-04-22.

Conditions:
Palmoplantar keratoderma-esophageal carcinoma syndrome (TOC). Also called: Tylosis with Esophageal Cancer; PALMOPLANTAR KERATODERMA WITH ESOPHAGEAL CANCER; KERATOSIS PALMARIS ET PLANTARIS WITH ESOPHAGEAL CANCER. Identifiers: Orphanet 2198, MedGen C1835664, MONDO:0007856, OMIM 148500.

Allele frequency attached by ClinVar (database versions not stated): ExAC 0.00002; gnomAD 0.00003; TOPMed 0.00003.
gnomAD v4.1: 59 of 1,613,214 alleles (0.0037%); highest among the groups gnomAD compares: Admixed American, 0.005%; no homozygotes.

Submissions (2):

Labcorp Genetics (formerly Invitae), Labcorp
Classification: Uncertain significance. Last evaluated: 2024-04-22. Review status: criteria provided, single submitter. Criteria: Invitae Variant Classification Sherloc (09022015). Collection method: clinical testing. Allele origin: germline.
Comment: This sequence change replaces arginine, which is basic and polar, with tryptophan, which is neutral and slightly polar, at codon 266 of the RHBDF2 protein (p.Arg266Trp). This variant is present in population databases (rs763172645, gnomAD 0.006%). This variant has not been reported in the literature in individuals affected with RHBDF2-related conditions. Algorithms developed to predict the effect of missense changes on protein structure and function output the following: SIFT: "Not Available"; PolyPhen-2: "Benign"; Align-GVGD: "Not Available". The tryptophan amino acid residue is found in multiple mammalian species, which suggests that this missense change does not adversely affect protein function. In summary, the available evidence is currently insufficient to determine the role of this variant in disease. Therefore, it has been classified as a Variant of Uncertain Significance.

Baylor Genetics
Classification: Uncertain significance for Palmoplantar keratoderma-esophageal carcinoma syndrome. Last evaluated: 2023-09-07. Review status: criteria provided, single submitter. Criteria: ACMG Guidelines, 2015. Collection method: clinical testing. Allele origin: unknown.

NM_001005498.4(RHBDF2):c.709C>T (p.Arg237Trp)

Gene: RHBDF2 (rhomboid 5 homolog 2; minus strand). Cytogenetic location: 17q25.1.
Variant type: single nucleotide variant.
Coding change: c.709C>T on transcript NM_001005498.4 (MANE Select); coding-DNA position 709, C replaced by T.
Protein change: p.Arg237Trp; replaces arginine 237 with tryptophan.
Molecular consequence: missense variant. On other transcripts: non-coding transcript variant (3).
Genome position (GRCh38, 1-based): chr17:76,477,749, G>A on the plus strand (C>T on the coding strand, the complement: RHBDF2 is on the minus strand). VCF-style: chr17-76477749-G-A. GRCh37 (hg19) VCF-style: chr17-74473831-G-A.
Other names: c.709C>T, p.Arg237Trp (NM_001376228.1, NM_001376229.1, NM_001376230.1); c.796C>T, p.Arg266Trp (NM_024599.5); short protein forms R237W, R266W.
Identifiers: ClinVar variation 2678348 (VCV002678348.3), dbSNP rs763172645, ClinGen allele CA8787253.